The following is an entry in ClinVar:

ClinVar aggregate classification (germline): Uncertain significance (1 of 4 stars; one submission).

Conditions:
Saldino-Mainzer syndrome (SRTD9). Also called: Renal dysplasia, retinal pigmentary dystrophy, cerebellar ataxia and skeletal dysplasia; CONORENAL SYNDROME; SHORT-RIB THORACIC DYSPLASIA 9 WITHOUT POLYDACTYLY; short-rib thoracic dysplasia 9 with or without polydactyly. Identifiers: Orphanet 140969, MedGen C1849437, MONDO:0009964, OMIM 266920.

Allele frequency attached by ClinVar (database versions not stated): gnomAD exomes below 0.00001 and 0.00001; TOPMed below 0.00001; ExAC 0.00001; gnomAD 0.00001.
gnomAD v4.1: 5 of 1,613,320 alleles (0.00031%); highest among the groups gnomAD compares: African/African-American, 0.0013%; no homozygotes.

Submission:

Labcorp Genetics (formerly Invitae), Labcorp
Classification: Uncertain significance for Saldino-Mainzer syndrome. Last evaluated: 2021-02-01. Review status: criteria provided, single submitter. Criteria: Invitae Variant Classification Sherloc (09022015). Collection method: clinical testing. Allele origin: germline.
Comment: Algorithms developed to predict the effect of missense changes on protein structure and function (SIFT, PolyPhen-2, Align-GVGD) all suggest that this variant is likely to be tolerated, but these predictions have not been confirmed by published functional studies and their clinical significance is uncertain. This sequence change replaces serine with leucine at codon 518 of the IFT140 protein (p.Ser518Leu). The serine residue is moderately conserved and there is a large physicochemical difference between serine and leucine. This variant is present in population databases (rs761365882, ExAC 0.002%). This variant has not been reported in the literature in individuals with IFT140-related conditions. In summary, the available evidence is currently insufficient to determine the role of this variant in disease. Therefore, it has been classified as a Variant of Uncertain Significance.

NM_014714.4(IFT140):c.1553C>T (p.Ser518Leu)

Gene: IFT140 (intraflagellar transport 140; minus strand). Cytogenetic location: 16p13.3.
Variant type: single nucleotide variant.
Coding change: c.1553C>T on transcript NM_014714.4 (MANE Select); coding-DNA position 1553, C replaced by T.
Protein change: p.Ser518Leu; replaces serine 518 with leucine.
Molecular consequence: missense variant.
Genome position (GRCh38, 1-based): chr16:1,571,506, G>A on the plus strand (C>T on the coding strand, the complement: IFT140 is on the minus strand). VCF-style: chr16-1571506-G-A. GRCh37 (hg19) VCF-style: chr16-1621507-G-A.
Other names: short protein forms S518L.
Identifiers: ClinVar variation 1517247 (VCV001517247.8), dbSNP rs761365882, ClinGen allele CA7814223.